The following is an entry in ClinVar:

ClinVar aggregate classification (germline): Uncertain significance. Review status: criteria provided, multiple submitters, no conflicts (2 of 4 stars). 2 submissions from 2 submitters: Uncertain significance (2). Last evaluated 2025-03-12.

Conditions:
Emery-Dreifuss muscular dystrophy 5, autosomal dominant (EDMD5). Also called: EMERY-DREIFUSS MUSCULAR DYSTROPHY 5. Identifiers: Orphanet 261, MedGen C2751805, MONDO:0013072, OMIM 612999.

Allele frequency attached by ClinVar (database versions not stated): TOPMed 0.00001; ExAC 0.00002; gnomAD exomes 0.00002; gnomAD 0.00003.
gnomAD v4.1: 25 of 1,614,028 alleles (0.0015%); highest among the groups gnomAD compares: Non-Finnish European, 0.002%; no homozygotes.

Submissions (2):

Labcorp Genetics (formerly Invitae), Labcorp
Classification: Uncertain significance for Emery-Dreifuss muscular dystrophy 5, autosomal dominant. Last evaluated: 2025-03-12. Review status: criteria provided, single submitter. Criteria: Invitae Variant Classification Sherloc (09022015). Collection method: clinical testing. Allele origin: germline.
Comment: This sequence change replaces serine, which is neutral and polar, with asparagine, which is neutral and polar, at codon 3475 of the SYNE2 protein (p.Ser3475Asn). This variant is present in population databases (rs769912217, gnomAD 0.005%). This variant has not been reported in the literature in individuals affected with SYNE2-related conditions. ClinVar contains an entry for this variant (Variation ID: 197931). An algorithm developed to predict the effect of missense changes on protein structure and function outputs the following: PolyPhen-2: "Benign". The asparagine amino acid residue is found in multiple mammalian species, which suggests that this missense change does not adversely affect protein function. In summary, the available evidence is currently insufficient to determine the role of this variant in disease. Therefore, it has been classified as a Variant of Uncertain Significance.

Eurofins Ntd Llc (ga)
Classification: Uncertain significance. Last evaluated: 2015-04-03. Review status: criteria provided, single submitter. Criteria: EGL Classification Definitions 2015. Collection method: clinical testing. Allele origin: germline. Observed: 1 variant allele, 1 heterozygote.

NM_182914.3(SYNE2):c.10424G>A (p.Ser3475Asn)

Gene: SYNE2 (spectrin repeat containing nuclear envelope protein 2; plus strand). Cytogenetic location: 14q23.2.
Variant type: single nucleotide variant.
Coding change: c.10424G>A on transcript NM_182914.3 (MANE Select); coding-DNA position 10424, G replaced by A.
Protein change: p.Ser3475Asn; replaces serine 3475 with asparagine.
Molecular consequence: missense variant.
Genome position (GRCh38, 1-based): chr14:64,065,643, G>A. VCF-style: chr14-64065643-G-A. GRCh37 (hg19) VCF-style: chr14-64532361-G-A.
Other names: c.10424G>A, p.Ser3475Asn (NM_015180.6); short protein forms S3475N.
Identifiers: ClinVar variation 197931 (VCV000197931.12), dbSNP rs769912217, ClinGen allele CA246323.